The following is an entry in ClinVar:

NM_016306.6(DNAJB11):c.683-8C>G

Gene: DNAJB11 (DnaJ heat shock protein family (Hsp40) member B11; plus strand). Cytogenetic location: 3q27.3.
Variant type: single nucleotide variant.
Coding change: c.683-8C>G on transcript NM_016306.6 (MANE Select); 8 bases into the intron before coding-DNA position 683, C replaced by G.
Molecular consequence: intron variant.
Genome position (GRCh38, 1-based): chr3:186,582,708, C>G. VCF-style: chr3-186582708-C-G. GRCh37 (hg19) VCF-style: chr3-186300497-C-G.
Other names: c.407-8C>G (NM_001378451.1); c.683-8C>G (NM_016306.5).
Identifiers: ClinVar variation 1611489 (VCV001611489.12), dbSNP rs77313009, ClinGen allele CA2744557.

ClinVar aggregate classification (germline): Benign/Likely benign. Review status: criteria provided, multiple submitters, no conflicts (2 of 4 stars). 3 submissions from 3 submitters: Benign (1); Likely benign (1). 1 of the submissions does not count toward it. Last evaluated 2025-12-29.

Conditions:
DNAJB11-related disorder. Also called: DNAJB11-related condition.

Allele frequency attached by ClinVar (database versions not stated): gnomAD exomes 0.00050; ExAC 0.00426; TOPMed 0.00520; gnomAD 0.00524; ESP Exome Variant Server 0.00561; 1000 Genomes Project 0.00639; 1000 Genomes Project 30x 0.00656.

Submissions (5):

Labcorp Genetics (formerly Invitae), Labcorp
Classification: Benign. Last evaluated: 2025-12-29. Review status: criteria provided, single submitter. Criteria: Invitae Variant Classification Sherloc (09022015). Collection method: clinical testing. Allele origin: germline.

Blueprint Genetics
Classification: Likely benign. Last evaluated: 2024-11-26. Review status: criteria provided, single submitter. Criteria: ACMG Guidelines, 2015. Collection method: clinical testing. Allele origin: germline.

PreventionGenetics, part of Exact Sciences
Classification: Benign for DNAJB11-related condition. Last evaluated: 2019-06-04. Review status: no assertion criteria provided. Collection method: clinical testing. Allele origin: germline. Not counted in ClinVar's aggregate classification.
Comment: This variant is classified as benign based on ACMG/AMP sequence variant interpretation guidelines (Richards et al. 2015 PMID: 25741868, with internal and published modifications).

Dr. Peter K. Rogan Lab, Western University
No classification provided (evidence only). Condition: Uterine corpus endometrial carcinoma. Review status: no classification provided. Collection method: in vitro. Allele origin: not applicable. Functional consequence: skipped exon. Not counted in ClinVar's aggregate classification.

Dr. Peter K. Rogan Lab, Western University
No classification provided (evidence only). Condition: Uterine carcinosarcoma. Review status: no classification provided. Collection method: in vitro. Allele origin: not applicable. Functional consequence: retained intron. Not counted in ClinVar's aggregate classification.